The following is an entry in ClinVar:

NM_194279.4(ISCA2):c.453dup (p.Ile152fs)

Gene: ISCA2 (iron-sulfur cluster assembly 2; plus strand). Cytogenetic location: 14q24.3.
Variant type: Duplication.
Coding change: c.453dup on transcript NM_194279.4 (MANE Select); coding-DNA position 453, one base duplicated (T; older notation c.453dupT).
Protein change: p.Ile152fs; shifts the reading frame from isoleucine 152.
Molecular consequence: frameshift variant. On other transcripts: 3 prime UTR variant (1).
Genome position (GRCh38, 1-based): chr14:74,494,988, T duplicated. VCF-style (leftmost placement, unchanged base first): chr14-74494987-C-CT. GRCh37 (hg19) VCF-style: chr14-74961690-C-CT.
Other names: c.*154dup (NM_001272007.2); short protein forms I152fs.
Identifiers: ClinVar variation 2114845 (VCV002114845.4), dbSNP rs2506120946, ClinGen allele CA2580088740.
Genomic context (GRCh38, chr14:74,494,987, plus strand): 5'-CATTTCAAGTGTTGAACAATCCTCAAGCACAGCAAGGCTGCTCCTGTGGGTCATCTTTCT[C>CT]TATCAAACTTTGATGTGATGACTGGTGACTCTGGGATTGTCACCAGTTGTACCAATTTGA-3'

ClinVar aggregate classification (germline): Uncertain significance (1 of 4 stars; one submission).

Submission:

Labcorp Genetics (formerly Invitae), Labcorp
Classification: Uncertain significance. Last evaluated: 2022-05-17. Review status: criteria provided, single submitter. Criteria: Invitae Variant Classification Sherloc (09022015). Collection method: clinical testing. Allele origin: germline.
Comment: In summary, the available evidence is currently insufficient to determine the role of this variant in disease. Therefore, it has been classified as a Variant of Uncertain Significance. This variant has not been reported in the literature in individuals affected with ISCA2-related conditions. This variant is not present in population databases (gnomAD no frequency). This sequence change results in a frameshift in the ISCA2 gene (p.Ile152Tyrfs*6). While this is not anticipated to result in nonsense mediated decay, it is expected to disrupt the last 3 amino acid(s) of the ISCA2 protein and extend the protein by 2 additional amino acid residues.